The following is an entry in ClinVar:

ClinVar aggregate classification (germline): Uncertain significance. Review status: criteria provided, multiple submitters, no conflicts (2 of 4 stars). 2 submissions from 2 submitters: Uncertain significance (2). Last evaluated 2024-08-27.

Conditions:
Hereditary cancer-predisposing syndrome. Also called: Tumor predisposition; Neoplastic Syndromes, Hereditary; Hereditary Cancer Syndrome; Hereditary neoplastic syndrome. Identifiers: Orphanet 140162, MedGen C0027672, MeSH D009386, MONDO:0015356.
Familial cancer of breast. Also called: BREAST CANCER, FAMILIAL; Hereditary breast cancer; hereditary breast carcinoma. Identifiers: Orphanet 227535, MedGen C0346153, MONDO:0016419, OMIM 114480. Disease mechanism: loss of function.
Fanconi anemia complementation group J. Also called: BRIP1-Related Fanconi Anemia. Identifiers: Orphanet 84, MedGen C1836860, MONDO:0012187, OMIM 609054.

Submissions (2):

Labcorp Genetics (formerly Invitae), Labcorp
Classification: Uncertain significance for Familial cancer of breast; Fanconi anemia complementation group J. Last evaluated: 2024-08-27. Review status: criteria provided, single submitter. Criteria: Invitae Variant Classification Sherloc (09022015). Collection method: clinical testing. Allele origin: germline.
Comment: This sequence change replaces asparagine, which is neutral and polar, with tyrosine, which is neutral and polar, at codon 590 of the BRIP1 protein (p.Asn590Tyr). This variant is not present in population databases (gnomAD no frequency). This variant has not been reported in the literature in individuals affected with BRIP1-related conditions. ClinVar contains an entry for this variant (Variation ID: 629649). Invitae Evidence Modeling of protein sequence and biophysical properties (such as structural, functional, and spatial information, amino acid conservation, physicochemical variation, residue mobility, and thermodynamic stability) indicates that this missense variant is not expected to disrupt BRIP1 protein function with a negative predictive value of 80%. In summary, the available evidence is currently insufficient to determine the role of this variant in disease. Therefore, it has been classified as a Variant of Uncertain Significance.

Color Diagnostics, LLC DBA Color Health
Classification: Uncertain significance for Hereditary cancer-predisposing syndrome. Last evaluated: 2023-12-04. Review status: criteria provided, single submitter. Criteria: ACMG Guidelines, 2015. Collection method: clinical testing. Allele origin: germline.
Comment: This missense variant replaces asparagine with tyrosine at codon 590 of the BRIP1 protein. Computational prediction suggests that this variant may not impact protein structure and function (internally defined REVEL score threshold <= 0.5, PMID: 27666373). To our knowledge, functional studies have not been reported for this variant. This variant has not been reported in individuals affected with BRIP1-related disorders in the literature. This variant has not been identified in the general population by the Genome Aggregation Database (gnomAD). The available evidence is insufficient to determine the role of this variant in disease conclusively. Therefore, this variant is classified as a Variant of Uncertain Significance.

NM_032043.3(BRIP1):c.1768A>T (p.Asn590Tyr)

Gene: BRIP1 (BRCA1 interacting DNA helicase 1; minus strand). Cytogenetic location: 17q23.2.
Variant type: single nucleotide variant.
Coding change: c.1768A>T on transcript NM_032043.3 (MANE Select); coding-DNA position 1768, A replaced by T.
Protein change: p.Asn590Tyr; replaces asparagine 590 with tyrosine.
Molecular consequence: missense variant.
Genome position (GRCh38, 1-based): chr17:61,780,866, T>A on the plus strand (A>T on the coding strand, the complement: BRIP1 is on the minus strand). VCF-style: chr17-61780866-T-A. GRCh37 (hg19) VCF-style: chr17-59858227-T-A.
Other names: short protein forms N590Y.
Identifiers: ClinVar variation 629649 (VCV000629649.7), dbSNP rs1567813355, ClinGen allele CA400480298.
Genomic context (GRCh38, chr17:61,780,866, plus strand): 5'-GAAGACAAAATTTCCATTTACATGATGAGCTTACCACAGCTGGATTTAAGCACCAAAAGT[T>A]TAGCACATGAACTGCAGTTTTCTGTCGTGAACGTTTCTTATTTTTTGGTAGAACCAACAA-3'
Protein context (NP_114432.2, residues 580-600): SRQKTAVHVL[Asn590Tyr]FWCLNPAVAF